The following is an entry in ClinVar:

ClinVar aggregate classification (germline): Uncertain significance (1 of 4 stars; one submission).

gnomAD v4.1: 13 of 1,612,966 alleles (0.00081%); highest among the groups gnomAD compares: Non-Finnish European, 0.001%; no homozygotes.

Submission:

Labcorp Genetics (formerly Invitae), Labcorp
Classification: Uncertain significance. Last evaluated: 2025-03-11. Review status: criteria provided, single submitter. Criteria: Invitae Variant Classification Sherloc (09022015). Collection method: clinical testing. Allele origin: germline.
Comment: This sequence change replaces phenylalanine, which is neutral and non-polar, with leucine, which is neutral and non-polar, at codon 820 of the IGF1R protein (p.Phe820Leu). This variant is present in population databases (no rsID available, gnomAD 0.002%). This variant has not been reported in the literature in individuals affected with IGF1R-related conditions. Invitae Evidence Modeling of protein sequence and biophysical properties (such as structural, functional, and spatial information, amino acid conservation, physicochemical variation, residue mobility, and thermodynamic stability) indicates that this missense variant is not expected to disrupt IGF1R protein function with a negative predictive value of 80%. In summary, the available evidence is currently insufficient to determine the role of this variant in disease. Therefore, it has been classified as a Variant of Uncertain Significance.

NM_000875.5(IGF1R):c.2460C>G (p.Phe820Leu)

Gene: IGF1R (insulin like growth factor 1 receptor; plus strand). Cytogenetic location: 15q26.3.
Variant type: single nucleotide variant.
Coding change: c.2460C>G on transcript NM_000875.5 (MANE Select); coding-DNA position 2460, C replaced by G.
Protein change: p.Phe820Leu; replaces phenylalanine 820 with leucine.
Molecular consequence: missense variant.
Genome position (GRCh38, 1-based): chr15:98,922,406, C>G. VCF-style: chr15-98922406-C-G. GRCh37 (hg19) VCF-style: chr15-99465635-C-G.
Other names: c.2460C>G, p.Phe820Leu (NM_001291858.2); short protein forms F820L.
Identifiers: ClinVar variation 4775597 (VCV004775597.1).